The following is an entry in ClinVar:

NM_000059.4(BRCA2):c.6119T>C (p.Ile2040Thr)

Gene: BRCA2 (BRCA2 DNA repair associated; plus strand). Cytogenetic location: 13q13.1.
Variant type: single nucleotide variant.
Coding change: c.6119T>C on transcript NM_000059.4 (MANE Select); coding-DNA position 6119, T replaced by C.
Protein change: p.Ile2040Thr; replaces isoleucine 2040 with threonine.
Molecular consequence: missense variant.
Genome position (GRCh38, 1-based): chr13:32,340,474, T>C. VCF-style: chr13-32340474-T-C. GRCh37 (hg19) VCF-style: chr13-32914611-T-C.
Other names: short protein forms I2040T.
Identifiers: ClinVar variation 231981 (VCV000231981.15), dbSNP rs876659473, ClinGen allele CA10579679.

ClinVar aggregate classification (germline): Conflicting classifications of pathogenicity. Review status: criteria provided, conflicting classifications (1 of 4 stars). 4 submissions from 4 submitters: Uncertain significance (2); Likely benign (2). Last evaluated 2025-12-26.

Conditions:
Hereditary cancer-predisposing syndrome. Also called: Neoplastic Syndromes, Hereditary; Tumor predisposition; Hereditary Cancer Syndrome; Hereditary neoplastic syndrome. Identifiers: Orphanet 140162, MedGen C0027672, MeSH D009386, MONDO:0015356.
Hereditary breast ovarian cancer syndrome. Also called: BRCA1- and BRCA2-Associated Hereditary Breast and Ovarian Cancer; Hereditary breast and ovarian cancer syndrome; Hereditary breast and ovarian cancer; Hereditary breast and ovarian cancer syndrome (HBOC); Breast and ovarian cancer; Hereditary breast and/or ovarian cancer syndrome. Identifiers: Orphanet 145, MedGen C0677776, MeSH D061325, MONDO:0003582. Disease mechanism: loss of function.

Submissions (4):

Labcorp Genetics (formerly Invitae), Labcorp
Classification: Uncertain significance for Hereditary breast ovarian cancer syndrome. Last evaluated: 2025-12-26. Review status: criteria provided, single submitter. Criteria: Invitae Variant Classification Sherloc (09022015). Collection method: clinical testing. Allele origin: germline.
Comment: This sequence change replaces isoleucine, which is neutral and non-polar, with threonine, which is neutral and polar, at codon 2040 of the BRCA2 protein (p.Ile2040Thr). This variant is not present in population databases (gnomAD no frequency). This variant has not been reported in the literature in individuals affected with BRCA2-related conditions. ClinVar contains an entry for this variant (Variation ID: 231981). Invitae Evidence Modeling of protein sequence and biophysical properties (such as structural, functional, and spatial information, amino acid conservation, physicochemical variation, residue mobility, and thermodynamic stability) indicates that this missense variant is not expected to disrupt BRCA2 protein function with a negative predictive value of 95%. In summary, the available evidence is currently insufficient to determine the role of this variant in disease. Therefore, it has been classified as a Variant of Uncertain Significance.

Ambry Genetics
Classification: Likely benign for Hereditary cancer-predisposing syndrome. Last evaluated: 2024-03-20. Review status: criteria provided, single submitter. Criteria: Ambry Variant Classification Scheme 2023. Collection method: clinical testing. Allele origin: germline.

University of Washington Department of Laboratory Medicine, University of Washington
Classification: Likely benign for Hereditary cancer-predisposing syndrome. Last evaluated: 2023-03-23. Review status: criteria provided, single submitter. Criteria: Dines et al. (Genet Med. 2020). Collection method: curation. Allele origin: germline.
Comment: Missense variant in a coldspot region where missense variants are very unlikely to be pathogenic (PMID:31911673).

BRCA2 exon 11 coldspot. Reclassification based on statistical prior probability.

Women's Health and Genetics/Laboratory Corporation of America, LabCorp
Classification: Uncertain significance. Last evaluated: 2016-07-01. Review status: criteria provided, single submitter. Criteria: LabCorp Variant Classification Summary - May 2015. Collection method: clinical testing. Allele origin: germline.
Comment: Variant summary: The BRCA2 c.6119T>C (p.Ile2040Thr) variant involves the alteration of a non-conserved nucleotide. 3/5 in silico tools predict a benign outcome, and Ile2040 is not located in a known functional domain of the Breast cancer type 2 susceptibility protein. This variant was absent in 120840 control chromosomes and has not, to our knowledge, been reported in affected individuals via publications nor evaluated for functional impact by in vivo/vitro studies. One clinical lab classified the variant as a VUS. Because of the absence of clinical information and the lack of functional studies, the variant was classified as a variant of uncertain significance (VUS) until additional information becomes available.